The following is an entry in ClinVar:

NM_000428.3(LTBP2):c.1883C>T (p.Thr628Ile)

Gene: LTBP2 (latent transforming growth factor beta binding protein 2; minus strand). Cytogenetic location: 14q24.3.
Variant type: single nucleotide variant.
Coding change: c.1883C>T on transcript NM_000428.3 (MANE Select); coding-DNA position 1883, C replaced by T.
Protein change: p.Thr628Ile; replaces threonine 628 with isoleucine.
Molecular consequence: missense variant.
Genome position (GRCh38, 1-based): chr14:74,532,530, G>A on the plus strand (C>T on the coding strand, the complement: LTBP2 is on the minus strand). VCF-style: chr14-74532530-G-A. GRCh37 (hg19) VCF-style: chr14-74999233-G-A.
Other names: c.1883C>T (NM_000428.2); short protein forms T628I.
Identifiers: ClinVar variation 1428201 (VCV001428201.8), dbSNP rs138040795, ClinGen allele CA7269719.
Genomic context (GRCh38, chr14:74,532,530, plus strand): 5'-CATGTGCACAGGTAGCTGCCCCTGGTATTCACACACTCCGCGTCCTTGCACAGGCCCAGG[G>A]TCAAGCACTCGTTGATATCTGCAGGGTTGGAGGAGATGACCAAGTGCCCGCCCCACGGAG-3'
Protein context (NP_000419.1, residues 618-638): THCQDINECL[Thr628Ile]LGLCKDAECV

ClinVar aggregate classification (germline): Uncertain significance. Review status: criteria provided, multiple submitters, no conflicts (2 of 4 stars). 3 submissions from 3 submitters: Uncertain significance (3). Last evaluated 2025-05-12.

Conditions:
Inborn genetic diseases. Identifiers: MedGen C0950123, MeSH D030342.
LTBP2-related disorder. Also called: LTBP2-related disorders; LTBP2-related condition.

Allele frequency attached by ClinVar (database versions not stated): ExAC 0.00002; ESP Exome Variant Server 0.00008.
gnomAD v4.1: 3 of 1,614,056 alleles (0.00019%); highest among the groups gnomAD compares: African/African-American, 0.0027%; no homozygotes.

Submissions (3):

PreventionGenetics, part of Exact Sciences
Classification: Uncertain significance for LTBP2-related condition. Last evaluated: 2025-05-12. Review status: criteria provided, single submitter. Criteria: ACMG Guidelines, 2015. Collection method: clinical testing. Allele origin: germline.
Comment: The LTBP2 c.1883C>T variant is predicted to result in the amino acid substitution p.Thr628Ile. To our knowledge, this variant has not been reported in the literature. This variant is reported in 0.012% of alleles in individuals of African descent in gnomAD. At this time, the clinical significance of this variant is uncertain due to the absence of conclusive functional and genetic evidence.

Ambry Genetics
Classification: Uncertain significance for Inborn genetic diseases. Last evaluated: 2025-05-05. Review status: criteria provided, single submitter. Criteria: Ambry Variant Classification Scheme 2023. Collection method: clinical testing. Allele origin: germline.

Labcorp Genetics (formerly Invitae), Labcorp
Classification: Uncertain significance. Last evaluated: 2022-08-09. Review status: criteria provided, single submitter. Criteria: Invitae Variant Classification Sherloc (09022015). Collection method: clinical testing. Allele origin: germline.
Comment: ClinVar contains an entry for this variant (Variation ID: 1428201). In summary, the available evidence is currently insufficient to determine the role of this variant in disease. Therefore, it has been classified as a Variant of Uncertain Significance. Algorithms developed to predict the effect of missense changes on protein structure and function output the following: SIFT: "Deleterious"; PolyPhen-2: "Benign"; Align-GVGD: "Class C65". The isoleucine amino acid residue is found in multiple mammalian species, which suggests that this missense change does not adversely affect protein function. This variant has not been reported in the literature in individuals affected with LTBP2-related conditions. This variant is present in population databases (rs138040795, gnomAD 0.008%). This sequence change replaces threonine, which is neutral and polar, with isoleucine, which is neutral and non-polar, at codon 628 of the LTBP2 protein (p.Thr628Ile).